The following is an entry in ClinVar:

ClinVar aggregate classification (germline): Uncertain significance (1 of 4 stars; one submission).

Allele frequency attached by ClinVar (database versions not stated): gnomAD exomes below 0.00001 and 0.00001; ExAC 0.00002; TOPMed 0.00002; gnomAD 0.00004; 1000 Genomes Project 30x 0.00016; 1000 Genomes Project 0.00020.
gnomAD v4.1: 9 of 1,614,090 alleles (0.00056%); highest among the groups gnomAD compares: African/African-American, 0.012%; no homozygotes.

Submission:

Labcorp Genetics (formerly Invitae), Labcorp
Classification: Uncertain significance. Last evaluated: 2024-12-09. Review status: criteria provided, single submitter. Criteria: Invitae Variant Classification Sherloc (09022015). Collection method: clinical testing. Allele origin: germline.
Comment: This sequence change replaces alanine, which is neutral and non-polar, with valine, which is neutral and non-polar, at codon 706 of the HPS5 protein (p.Ala706Val). This variant is present in population databases (rs181052009, gnomAD 0.01%). This variant has not been reported in the literature in individuals affected with HPS5-related conditions. ClinVar contains an entry for this variant (Variation ID: 1524060). An algorithm developed to predict the effect of missense changes on protein structure and function outputs the following: PolyPhen-2: "Benign". The valine amino acid residue is found in multiple mammalian species, which suggests that this missense change does not adversely affect protein function. In summary, the available evidence is currently insufficient to determine the role of this variant in disease. Therefore, it has been classified as a Variant of Uncertain Significance.

NM_181507.2(HPS5):c.2117C>T (p.Ala706Val)

Gene: HPS5 (HPS5 biogenesis of lysosomal organelles complex 2 subunit 2; minus strand). Cytogenetic location: 11p15.1.
Variant type: single nucleotide variant.
Coding change: c.2117C>T on transcript NM_181507.2 (MANE Select); coding-DNA position 2117, C replaced by T.
Protein change: p.Ala706Val; replaces alanine 706 with valine.
Molecular consequence: missense variant.
Genome position (GRCh38, 1-based): chr11:18,291,765, G>A on the plus strand (C>T on the coding strand, the complement: HPS5 is on the minus strand). VCF-style: chr11-18291765-G-A. GRCh37 (hg19) VCF-style: chr11-18313312-G-A.
Other names: c.1775C>T, p.Ala592Val (NM_007216.4, NM_181508.2); short protein forms A706V, A592V.
Identifiers: ClinVar variation 1524060 (VCV001524060.6), dbSNP rs181052009, ClinGen allele CA5909922.